The following is an entry in ClinVar:

NM_014208.3(DSPP):c.803G>A (p.Gly268Glu)

Genes: DMP1-AS1 (DMP1 and DSPP antisense RNA 1; minus strand), DSPP (dentin sialophosphoprotein; plus strand). Cytogenetic location: 4q22.1.
Variant type: single nucleotide variant.
Coding change: c.803G>A on transcript NM_014208.3 (MANE Select); coding-DNA position 803, G replaced by A.
Protein change: p.Gly268Glu; replaces glycine 268 with glutamic acid.
Molecular consequence: missense variant.
Genome position (GRCh38, 1-based): chr4:87,612,989, G>A. VCF-style: chr4-87612989-G-A. GRCh37 (hg19) VCF-style: chr4-88534141-G-A.
Other names: short protein forms G268E.
Identifiers: ClinVar variation 2781577 (VCV002781577.4), dbSNP rs1051882511, ClinGen allele CA100849973.

ClinVar aggregate classification (germline): Uncertain significance. Review status: criteria provided, multiple submitters, no conflicts (2 of 4 stars). 2 submissions from 2 submitters: Uncertain significance (2). Last evaluated 2025-11-20.

Conditions:
Inborn genetic diseases. Identifiers: MedGen C0950123, MeSH D030342.

Submissions (2):

Ambry Genetics
Classification: Uncertain significance for Inborn genetic diseases. Last evaluated: 2025-11-20. Review status: criteria provided, single submitter. Criteria: Ambry Variant Classification Scheme 2023. Collection method: clinical testing. Allele origin: germline.

Labcorp Genetics (formerly Invitae), Labcorp
Classification: Uncertain significance. Last evaluated: 2023-11-04. Review status: criteria provided, single submitter. Criteria: Invitae Variant Classification Sherloc (09022015). Collection method: clinical testing. Allele origin: germline.
Comment: This sequence change replaces glycine, which is neutral and non-polar, with glutamic acid, which is acidic and polar, at codon 268 of the DSPP protein (p.Gly268Glu). This variant is not present in population databases (gnomAD no frequency). This variant has not been reported in the literature in individuals affected with DSPP-related conditions. Algorithms developed to predict the effect of missense changes on protein structure and function output the following: SIFT: "Not Available"; PolyPhen-2: "Possibly Damaging"; Align-GVGD: "Not Available". The glutamic acid amino acid residue is found in multiple mammalian species, which suggests that this missense change does not adversely affect protein function. In summary, the available evidence is currently insufficient to determine the role of this variant in disease. Therefore, it has been classified as a Variant of Uncertain Significance.